The following is an entry in ClinVar:

ClinVar aggregate classification (germline): Uncertain significance (1 of 4 stars; one submission).

Submission:

Ambry Genetics
Classification: Uncertain significance. Last evaluated: 2025-05-19. Review status: criteria provided, single submitter. Criteria: Ambry Variant Classification Scheme 2023. Collection method: clinical testing. Allele origin: germline.
Comment: The c.154_168del15 variant (also known as p.S52_P56del) is located in coding exon 1 of the PALLD gene. This variant results from an in-frame TCGCCCATGTCCCCG deletion at nucleotide positions 154 to 168. This results in the in-frame deletion of amino acids at codons 52 to 56. This amino acid region is not well conserved in available vertebrate species. In addition, this variant is predicted to be deleterious by in silico analysis (Choi Y et al. PLoS ONE. 2012; 7(10):e46688). The evidence for this gene-disease relationship is limited; therefore, the clinical significance of this alteration is unclear.

NM_001166108.2(PALLD):c.1965-12877_1965-12863del

Gene: PALLD (palladin, cytoskeletal associated protein; plus strand). Cytogenetic location: 4q32.3.
Variant type: Deletion.
Coding change: c.1965-12877_1965-12863del on transcript NM_001166108.2 (MANE Select); 12877 bases into the intron before coding-DNA position 1965 through 12863 bases into the intron before coding-DNA position 1965, 15 bases deleted (TCGCCCATGTCCCCG).
Molecular consequence: intron variant.
Genome position (GRCh38, 1-based): chr4:168,878,045-168,878,059, TCGCCCATGTCCCCG deleted; deleting any 15 consecutive bases within chr4:168,878,041-168,878,059 gives the same sequence; the c. name uses the placement nearest the transcript's 3' end. VCF-style (leftmost placement, unchanged base first): chr4-168878040-TCCCGTCGCCCATGTC-T. GRCh37 (hg19) VCF-style: chr4-169799191-TCCCGTCGCCCATGTC-T.
Other names: c.154_168del, p.Ser52_Pro56del (NM_001166110.2); c.1965-12877_1965-12863del (NM_016081.4); c.819-12877_819-12863del (NM_001166109.2); c.-157-12877_-157-12863del (NM_001367570.1, NM_001367568.1, NM_001367567.1 and 1 more transcripts).
Identifiers: ClinVar variation 3927541 (VCV003927541.1).
Genomic context (GRCh38, chr4:168,878,040, plus strand): 5'-AGAACCTCGGGCCCGCGTCGGGCCACGGCACGCCGGCCTCCAGCCCCAGCTCGTCCAGCC[TCCCGTCGCCCATGTC>T]CCCGACGCCGAGGCAGTTCGGCCGCGCCCCCGTGCCGCCCTTCGCGCAGCCCTTCGGCGC-3'